The following is an entry in ClinVar:

NM_145290.4(ADGRA3):c.3033G>A (p.Met1011Ile)

Gene: ADGRA3 (adhesion G protein-coupled receptor A3; minus strand). Cytogenetic location: 4p15.2.
Variant type: single nucleotide variant.
Coding change: c.3033G>A on transcript NM_145290.4 (MANE Select); coding-DNA position 3033, G replaced by A.
Protein change: p.Met1011Ile; replaces methionine 1011 with isoleucine.
Molecular consequence: missense variant.
Genome position (GRCh38, 1-based): chr4:22,388,638, C>T on the plus strand (G>A on the coding strand, the complement: ADGRA3 is on the minus strand). VCF-style: chr4-22388638-C-T. GRCh37 (hg19) VCF-style: chr4-22390261-C-T.
Other names: short protein forms M1011I.
Identifiers: ClinVar variation 933912 (VCV000933912.9), dbSNP rs200434814, ClinGen allele CA2873460.

ClinVar aggregate classification (germline): Uncertain significance (1 of 4 stars; one submission).

Allele frequency attached by ClinVar (database versions not stated): gnomAD 0.00003 and 0.00004; gnomAD exomes 0.00003 and 0.00006; ExAC 0.00006; TOPMed 0.00007.

Submission:

Labcorp Genetics (formerly Invitae), Labcorp
Classification: Uncertain significance. Last evaluated: 2025-10-21. Review status: criteria provided, single submitter. Criteria: Invitae Variant Classification Sherloc (09022015). Collection method: clinical testing. Allele origin: germline.
Comment: This sequence change replaces methionine, which is neutral and non-polar, with isoleucine, which is neutral and non-polar, at codon 1011 of the ADGRA3 protein (p.Met1011Ile). This variant is present in population databases (rs200434814, gnomAD 0.1%), and has an allele count higher than expected for a pathogenic variant. This variant has not been reported in the literature in individuals affected with ADGRA3-related conditions. ClinVar contains an entry for this variant (Variation ID: 933912). An algorithm developed to predict the effect of missense changes on protein structure and function outputs the following: PolyPhen-2: "Benign". The isoleucine amino acid residue is found in multiple mammalian species, which suggests that this missense change does not adversely affect protein function. In summary, the available evidence is currently insufficient to determine the role of this variant in disease. Therefore, it has been classified as a Variant of Uncertain Significance.